The following is an entry in ClinVar:

NM_002972.4(SBF1):c.630C>T (p.Ser210=)

Gene: SBF1 (SET binding factor 1; minus strand). Cytogenetic location: 22q13.33.
Variant type: single nucleotide variant.
Coding change: c.630C>T on transcript NM_002972.4 (MANE Select); coding-DNA position 630, C replaced by T.
Protein change: p.Ser210=; no amino-acid change (serine 210 retained).
Molecular consequence: synonymous variant.
Genome position (GRCh38, 1-based): chr22:50,466,630, G>A on the plus strand (C>T on the coding strand, the complement: SBF1 is on the minus strand). VCF-style: chr22-50466630-G-A. GRCh37 (hg19) VCF-style: chr22-50905059-G-A.
Other names: p.Ser210=; c.633C>T, p.Ser211= (NM_001365819.1).
Identifiers: ClinVar variation 719863 (VCV000719863.11), dbSNP rs181765196, ClinGen allele CA10318014.

ClinVar aggregate classification (germline): Likely benign. Review status: criteria provided, multiple submitters, no conflicts (2 of 4 stars). 2 submissions from 2 submitters: Likely benign (2). Last evaluated 2025-04-09.

Allele frequency attached by ClinVar (database versions not stated): ExAC 0.00054; gnomAD 0.00067 and 0.00066; 1000 Genomes Project 30x 0.00141; 1000 Genomes Project 0.00140; ESP Exome Variant Server 0.00049; TOPMed 0.00068.
gnomAD v4.1: 162 of 1,552,314 alleles (0.01%); highest among the groups gnomAD compares: African/African-American, 0.18%; no homozygotes.

Submissions (2):

Mayo Clinic Laboratories, Mayo Clinic
Classification: Likely benign. Last evaluated: 2025-04-09. Review status: criteria provided, single submitter. Criteria: ACMG Guidelines, 2015. Collection method: clinical testing. Allele origin: germline. Observed: 2 variant alleles.
Comment: BP4, BP7

Labcorp Genetics (formerly Invitae), Labcorp
Classification: Likely benign. Last evaluated: 2024-11-18. Review status: criteria provided, single submitter. Criteria: Invitae Variant Classification Sherloc (09022015). Collection method: clinical testing. Allele origin: germline.